The following is an entry in ClinVar:

ClinVar aggregate classification (germline): Uncertain significance (1 of 4 stars; one submission).

Conditions:
Capillary malformation-arteriovenous malformation syndrome. Also called: Capillary malformation-arteriovenous malformation. Identifiers: Orphanet 137667, MedGen C1842180, MONDO:0012016.

Submission:

Labcorp Genetics (formerly Invitae), Labcorp
Classification: Uncertain significance for Capillary malformation-arteriovenous malformation syndrome. Last evaluated: 2024-03-01. Review status: criteria provided, single submitter. Criteria: Invitae Variant Classification Sherloc (09022015). Collection method: clinical testing. Allele origin: germline.
Comment: This sequence change replaces aspartic acid, which is acidic and polar, with glycine, which is neutral and non-polar, at codon 344 of the RASA1 protein (p.Asp344Gly). This variant is not present in population databases (gnomAD no frequency). This variant has not been reported in the literature in individuals affected with RASA1-related conditions. An algorithm developed to predict the effect of missense changes on protein structure and function (PolyPhen-2) suggests that this variant is likely to be disruptive. In summary, the available evidence is currently insufficient to determine the role of this variant in disease. Therefore, it has been classified as a Variant of Uncertain Significance.

NM_002890.3(RASA1):c.1031A>G (p.Asp344Gly)

Genes: CCNH (cyclin H; minus strand), RASA1 (RAS p21 protein activator 1; plus strand). Cytogenetic location: 5q14.3.
Variant type: single nucleotide variant.
Coding change: c.1031A>G on transcript NM_002890.3 (MANE Select); coding-DNA position 1031, A replaced by G.
Protein change: p.Asp344Gly; replaces aspartic acid 344 with glycine.
Molecular consequence: missense variant. On other transcripts: intron variant (1).
Genome position (GRCh38, 1-based): chr5:87,341,303, A>G. VCF-style: chr5-87341303-A-G. GRCh37 (hg19) VCF-style: chr5-86637120-A-G.
Other names: c.500A>G, p.Asp167Gly (NM_022650.3); c.934-28508T>C (NM_001364075.2); short protein forms D167G, D344G.
Identifiers: ClinVar variation 3630512 (VCV003630512.2).